The following is an entry in ClinVar:

ClinVar aggregate classification (germline): Uncertain significance (1 of 4 stars; one submission).

Allele frequency attached by ClinVar (database versions not stated): gnomAD exomes below 0.00001; TOPMed below 0.00001.
gnomAD v4.1: 2 of 1,613,508 alleles (0.00012%); highest among the groups gnomAD compares: Non-Finnish European, 0.00017%; no homozygotes.

Submission:

Labcorp Genetics (formerly Invitae), Labcorp
Classification: Uncertain significance. Last evaluated: 2022-06-27. Review status: criteria provided, single submitter. Criteria: Invitae Variant Classification Sherloc (09022015). Collection method: clinical testing. Allele origin: germline.
Comment: This sequence change replaces threonine, which is neutral and polar, with alanine, which is neutral and non-polar, at codon 348 of the EXPH5 protein (p.Thr348Ala). In summary, the available evidence is currently insufficient to determine the role of this variant in disease. Therefore, it has been classified as a Variant of Uncertain Significance. Algorithms developed to predict the effect of sequence changes on RNA splicing suggest that this variant may create or strengthen a splice site. Algorithms developed to predict the effect of missense changes on protein structure and function output the following: SIFT: "Tolerated"; PolyPhen-2: "Benign"; Align-GVGD: "Class C0". The alanine amino acid residue is found in multiple mammalian species, which suggests that this missense change does not adversely affect protein function. This variant has not been reported in the literature in individuals affected with EXPH5-related conditions. This variant is not present in population databases (gnomAD no frequency).

NM_015065.3(EXPH5):c.1042A>G (p.Thr348Ala)

Gene: EXPH5 (exophilin 5; minus strand). Cytogenetic location: 11q22.3.
Variant type: single nucleotide variant.
Coding change: c.1042A>G on transcript NM_015065.3 (MANE Select); coding-DNA position 1042, A replaced by G.
Protein change: p.Thr348Ala; replaces threonine 348 with alanine.
Molecular consequence: missense variant.
Genome position (GRCh38, 1-based): chr11:108,514,465, T>C on the plus strand (A>G on the coding strand, the complement: EXPH5 is on the minus strand). VCF-style: chr11-108514465-T-C. GRCh37 (hg19) VCF-style: chr11-108385192-T-C.
Other names: c.814A>G, p.Thr272Ala (NM_001144763.2); c.574A>G, p.Thr192Ala (NM_001144764.2); c.478A>G, p.Thr160Ala (NM_001144765.2); c.1021A>G, p.Thr341Ala (NM_001308019.2); short protein forms T192A, T272A, T348A, T160A, T341A.
Identifiers: ClinVar variation 1377581 (VCV001377581.6), dbSNP rs2093708948, ClinGen allele CA382557235.